The following is an entry in ClinVar:

ClinVar aggregate classification (germline): Pathogenic/Likely pathogenic. Review status: criteria provided, multiple submitters, no conflicts (2 of 4 stars). 4 submissions from 4 submitters: Pathogenic (2); Likely pathogenic (1). 1 of the submissions does not count toward it. Last evaluated 2025-07-08.

Conditions:
MPZ-related disorder. Also called: MPZ-related condition; MPZ-related disorders.
Charcot-Marie-Tooth disease. Also called: Charcot-Marie-Tooth Hereditary Neuropathy; Charcot-Marie-Tooth Neuropathy. Identifiers: Orphanet 166, MedGen C0007959, MONDO:0015626.
Charcot-Marie-Tooth disease, type I (CMT1). Also called: Charcot-Marie-Tooth, Type 1; Charcot-Marie-Tooth disease type 1. Identifiers: Orphanet 65753, MedGen C0751036, MONDO:0019011.

gnomAD v4.1: 1 of 1,614,054 alleles (0.000062%); highest among the groups gnomAD compares: Non-Finnish European, 0.000085%; no homozygotes.

Submissions (4):

Labcorp Genetics (formerly Invitae), Labcorp
Classification: Pathogenic for Charcot-Marie-Tooth disease, type I. Last evaluated: 2025-07-08. Review status: criteria provided, single submitter. Criteria: Invitae Variant Classification Sherloc (09022015). Collection method: clinical testing. Allele origin: germline.
Comment: This sequence change creates a premature translational stop signal (p.Tyr145*) in the MPZ gene. It is expected to result in an absent or disrupted protein product. Loss-of-function variants in MPZ are known to be pathogenic (PMID: 14711881). This variant is not present in population databases (gnomAD no frequency). This premature translational stop signal has been observed in individuals with Charcot-Marie-Tooth disease (PMID: 18663734). It has also been observed to segregate with disease in related individuals. ClinVar contains an entry for this variant (Variation ID: 637781). Algorithms developed to predict the effect of sequence changes on RNA splicing suggest that this variant may disrupt the consensus splice site. For these reasons, this variant has been classified as Pathogenic.

Blueprint Genetics
Classification: Pathogenic for MPZ-related disorders. Last evaluated: 2024-11-11. Review status: criteria provided, single submitter. Criteria: ACMG Guidelines, 2015. Collection method: clinical testing. Allele origin: germline. Affected: yes. Observed: 3 variant alleles.

Molecular Genetics Laboratory, London Health Sciences Centre
Classification: Likely pathogenic for Charcot-Marie-Tooth disease. Review status: criteria provided, single submitter. Criteria: ACMG Guidelines, 2015. Collection method: clinical testing. Allele origin: germline. Affected: yes.

Inherited Neuropathy Consortium
Classification: Uncertain significance for Charcot-Marie-Tooth disease. Review status: no assertion criteria provided. Collection method: literature only. Allele origin: germline. Affected: yes. Not counted in ClinVar's aggregate classification.

Literature cited by the submitters: PubMed 14711881 (cited by Labcorp Genetics (formerly Invitae), Labcorp); PubMed 18663734 (cited by Labcorp Genetics (formerly Invitae), Labcorp and Inherited Neuropathy Consortium).

NM_000530.8(MPZ):c.435T>A (p.Tyr145Ter)

Gene: MPZ (myelin protein zero; minus strand). Cytogenetic location: 1q23.3.
Variant type: single nucleotide variant.
Coding change: c.435T>A on transcript NM_000530.8 (MANE Select); coding-DNA position 435, T replaced by A.
Protein change: p.Tyr145Ter; replaces tyrosine 145 with a stop codon.
Molecular consequence: nonsense.
Genome position (GRCh38, 1-based): chr1:161,306,721, A>T on the plus strand (T>A on the coding strand, the complement: MPZ is on the minus strand). VCF-style: chr1-161306721-A-T. GRCh37 (hg19) VCF-style: chr1-161276511-A-T.
Other names: c.435T>A (LRG_256t1); c.435T>A, p.Tyr145Ter (NM_001315491.2); short protein forms Y145*.
Identifiers: ClinVar variation 637781 (VCV000637781.12), dbSNP rs1571818632, ClinGen allele CA343348235.